The following is an entry in ClinVar:

ClinVar aggregate classification (germline): Uncertain significance (1 of 4 stars; one submission).

gnomAD v4.1: 2 of 1,613,792 alleles (0.00012%); highest among the groups gnomAD compares: South Asian, 0.0011%; no homozygotes.

Submission:

Labcorp Genetics (formerly Invitae), Labcorp
Classification: Uncertain significance. Last evaluated: 2024-07-22. Review status: criteria provided, single submitter. Criteria: Invitae Variant Classification Sherloc (09022015). Collection method: clinical testing. Allele origin: germline.
Comment: This sequence change replaces asparagine, which is neutral and polar, with serine, which is neutral and polar, at codon 531 of the NCSTN protein (p.Asn531Ser). This variant is present in population databases (no rsID available, gnomAD 0.007%). This variant has not been reported in the literature in individuals affected with NCSTN-related conditions. Advanced modeling of protein sequence and biophysical properties (such as structural, functional, and spatial information, amino acid conservation, physicochemical variation, residue mobility, and thermodynamic stability) performed at Invitae indicates that this missense variant is expected to disrupt NCSTN protein function with a positive predictive value of 80%. In summary, the available evidence is currently insufficient to determine the role of this variant in disease. Therefore, it has been classified as a Variant of Uncertain Significance.

NM_015331.3(NCSTN):c.1592A>G (p.Asn531Ser)

Gene: NCSTN (nicastrin; plus strand). Cytogenetic location: 1q23.2.
Variant type: single nucleotide variant.
Coding change: c.1592A>G on transcript NM_015331.3 (MANE Select); coding-DNA position 1592, A replaced by G.
Protein change: p.Asn531Ser; replaces asparagine 531 with serine.
Molecular consequence: missense variant.
Genome position (GRCh38, 1-based): chr1:160,356,300, A>G. VCF-style: chr1-160356300-A-G. GRCh37 (hg19) VCF-style: chr1-160326090-A-G.
Other names: c.1532A>G, p.Asn511Ser (NM_001290184.2); c.1178A>G, p.Asn393Ser (NM_001290186.2); c.1592A>G, p.Asn531Ser (NM_001349729.2); short protein forms N393S, N511S, N531S.
Identifiers: ClinVar variation 3714957 (VCV003714957.2).